The following is an entry in ClinVar:

NM_007055.4(POLR3A):c.1910-13A>G

Gene: POLR3A (RNA polymerase III subunit A; minus strand). Cytogenetic location: 10q22.3.
Variant type: single nucleotide variant.
Coding change: c.1910-13A>G on transcript NM_007055.4 (MANE Select); 13 bases into the intron before coding-DNA position 1910, A replaced by G.
Molecular consequence: intron variant.
Genome position (GRCh38, 1-based): chr10:78,007,879, T>C on the plus strand (A>G on the coding strand, the complement: POLR3A is on the minus strand). VCF-style: chr10-78007879-T-C. GRCh37 (hg19) VCF-style: chr10-79767637-T-C.
Identifiers: ClinVar variation 878952 (VCV000878952.14), dbSNP rs375882550, ClinGen allele CA5571272.

ClinVar aggregate classification (germline): Conflicting classifications of pathogenicity. Review status: criteria provided, conflicting classifications (1 of 4 stars). 3 submissions from 3 submitters: Uncertain significance (2); Likely benign (1). Last evaluated 2026-08-19.

Conditions:
Leukodystrophy, hypomyelinating, 7, with or without oligodontia and/or hypogonadotropic hypogonadism (HLD7). Also called: LEUKOENCEPHALOPATHY, HYPOMYELINATING, WITH ATAXIA AND DELAYED DENTITION; ATAXIA, DELAYED DENTITION, AND HYPOMYELINATION; LEUKODYSTROPHY, HYPOMYELINATING, 7, WITH OLIGODONTIA; LEUKODYSTROPHY, HYPOMYELINATING, 7, WITH OLIGODONTIA AND HYPOGONADOTROPIC HYPOGONADISM; LEUKODYSTROPHY, HYPOMYELINATING, 7, WITHOUT OLIGODONTIA OR HYPOGONADOTROPIC HYPOGONADISM; Ataxia, Delayed Dentition and Hypomyelination (ADDH). Identifiers: Orphanet 137639, Orphanet 447893, Orphanet 447896, Orphanet 77295, Orphanet 88637, MedGen CN034185, MONDO:0011897, OMIM 607694.

Allele frequency attached by ClinVar (database versions not stated): gnomAD exomes 0.00004 and 0.00011; ExAC 0.00012; gnomAD 0.00042 and 0.00041; 1000 Genomes Project 0.00080; 1000 Genomes Project 30x 0.00094; TOPMed 0.00048; ESP Exome Variant Server 0.00054.

Submissions (3):

GeneDx
Classification: Uncertain significance. Last evaluated: 2026-08-19. Review status: criteria provided, single submitter. Criteria: GeneDx Variant Classification Process June 2021. Collection method: clinical testing. Allele origin: germline.
Comment: In silico analysis supports a deleterious effect on splicing; Has not been previously published as pathogenic or benign to our knowledge

Labcorp Genetics (formerly Invitae), Labcorp
Classification: Likely benign. Last evaluated: 2025-07-30. Review status: criteria provided, single submitter. Criteria: Invitae Variant Classification Sherloc (09022015). Collection method: clinical testing. Allele origin: germline.

Illumina Laboratory Services, Illumina
Classification: Uncertain significance for Leukodystrophy, hypomyelinating, 7, with or without oligodontia and/or hypogonadotropic hypogonadism. Last evaluated: 2018-01-13. Review status: criteria provided, single submitter. Criteria: ICSL Variant Classification Criteria 13 December 2019. Collection method: clinical testing. Allele origin: germline.